The following is an entry in ClinVar:

NC_000003.12:g.(?_10064723)_(10146642_?)del

Genes: BRK1 (BRICK1 subunit of SCAR/WAVE actin nucleating complex; plus strand), FANCD2 (FA complementation group D2; plus strand), FANCD2OS (FANCD2 opposite strand; minus strand), VHL (von Hippel-Lindau tumor suppressor; plus strand), LOC107303338 (3p25 FANCD2 Alu-mediated recombination region; plus strand) and 4 more. Cytogenetic location: 3p25.3.
Variant type: Deletion.
Identifiers: ClinVar variation 526503 (VCV000526503.1).

ClinVar aggregate classification (germline): Pathogenic (1 of 4 stars; one submission).

Conditions:
Fanconi anemia (FA). Also called: Fanconi's anemia. Identifiers: Orphanet 84, MedGen C0015625, MeSH D005199, MONDO:0019391.

Submission:

Labcorp Genetics (formerly Invitae), Labcorp
Classification: Pathogenic for Fanconi anemia. Last evaluated: 2018-01-11. Review status: criteria provided, single submitter. Criteria: Invitae Variant Classification Sherloc (09022015). Collection method: clinical testing. Allele origin: germline.
Comment: A gross deletion of the genomic region encompassing the full coding sequence of the FANCD2 gene has been identified. The boundaries of this event are unknown as the deletion extends beyond the assayed region for this gene and therefore may encompass additional genes. This variant has not been reported in the literature in individuals with FANCD2-related disease. Loss-of-function variants in FANCD2 are known to be pathogenic (PMID: 17436244). For these reasons, this variant has been classified as Pathogenic.